The following is an entry in ClinVar:

ClinVar aggregate classification (germline): Benign. Review status: criteria provided, multiple submitters, no conflicts (2 of 4 stars). 2 submissions from 2 submitters: Benign (2). Last evaluated 2018-01-13.

Conditions:
Spinocerebellar ataxia, autosomal recessive, with axonal neuropathy 1 (SCAN1). Identifiers: Orphanet 94124, MedGen C4759870, MONDO:0011801, OMIM 607250.

Allele frequency attached by ClinVar (database versions not stated): gnomAD 0.03142 and 0.03269; TOPMed 0.03234; gnomAD exomes 0.03290; 1000 Genomes Project 0.03994; 1000 Genomes Project 30x 0.04044.
gnomAD v4.1: 10,449 of 319,294 alleles (3.3%); highest among the groups gnomAD compares: South Asian, 6.6%; 247 homozygotes.

Submissions (2):

Illumina Laboratory Services, Illumina
Classification: Benign for Spinocerebellar ataxia, autosomal recessive, with axonal neuropathy 1. Last evaluated: 2018-01-13. Review status: criteria provided, single submitter. Criteria: ICSL Variant Classification Criteria 13 December 2019. Collection method: clinical testing. Allele origin: germline.
Comment: This variant was observed in the ICSL laboratory as part of a predisposition screen in an ostensibly healthy population. It had not been previously curated by ICSL or reported in the Human Gene Mutation Database (HGMD: prior to June 1st, 2018), and was therefore a candidate for classification through an automated scoring system. Utilizing variant allele frequency, disease prevalence and penetrance estimates, and inheritance mode, an automated score was calculated to assess if this variant is too frequent to cause the disease. Based on the score and internal cut-off values, a variant classified as benign is not then subjected to further curation. The score for this variant resulted in a classification of benign for this disease.

Breakthrough Genomics
Classification: Benign. Review status: criteria provided, single submitter. Criteria: ACMG Guidelines, 2015. Collection method: not provided. Allele origin: germline. Inheritance: Autosomal recessive inheritance. Affected: yes.

NM_018319.4(TDP1):c.*393T>C

Gene: TDP1 (tyrosyl-DNA phosphodiesterase 1; plus strand). Cytogenetic location: 14q32.11.
Variant type: single nucleotide variant.
Coding change: c.*393T>C on transcript NM_018319.4 (MANE Select); 393 bases downstream of the stop codon, T replaced by C.
Molecular consequence: 3 prime UTR variant.
Genome position (GRCh38, 1-based): chr14:90,043,536, T>C. VCF-style: chr14-90043536-T-C. GRCh37 (hg19) VCF-style: chr14-90509880-T-C.
Other names: c.*393T>C (NM_001008744.2); c.*374T>C (NM_001330205.2).
Identifiers: ClinVar variation 314845 (VCV000314845.6), dbSNP rs7150480, ClinGen allele CA10635516.